The following is an entry in ClinVar:

NM_000368.5(TSC1):c.2275del (p.Ala759fs)

Gene: TSC1 (TSC complex subunit 1; minus strand). Cytogenetic location: 9q34.13.
Variant type: Deletion.
Coding change: c.2275del on transcript NM_000368.5 (MANE Select); coding-DNA position 2275, one base deleted (G; older notation c.2275delG).
Protein change: p.Ala759fs; shifts the reading frame from alanine 759.
Molecular consequence: frameshift variant. On other transcripts: non-coding transcript variant (5).
Genome position (GRCh38, 1-based): chr9:132,902,721, C deleted on the plus strand (G on the coding strand, the reverse complement: TSC1 is on the minus strand). VCF-style (leftmost placement, unchanged base first): chr9-132902720-GC-G. GRCh37 (hg19) VCF-style: chr9-135778107-GC-G.
Other names: c.2272del, p.Ala758fs (NM_001162426.2, NM_001406597.1, NM_001406598.1 and 4 more transcripts); c.2122del, p.Ala708fs (NM_001162427.2, NM_001406610.1); c.1912del, p.Ala638fs (NM_001362177.2, NM_001406614.1, NM_001406615.1 and 5 more transcripts); c.2275del, p.Ala759fs (NM_001406592.1, NM_001406593.1, NM_001406594.1 and 5 more transcripts); c.2260del, p.Ala754fs (NM_001406601.1, NM_001406602.1); c.2257del, p.Ala753fs (NM_001406603.1, NM_001406604.1); c.2119del, p.Ala707fs (NM_001406611.1, NM_001406612.1, NM_001406613.1); c.1909del, p.Ala637fs (NM_001406620.1, NM_001406621.1, NM_001406622.1 and 2 more transcripts); and 3 more; short protein forms A408fs, A441fs, A442fs, A637fs, A638fs, A707fs, A708fs, A753fs.
Identifiers: ClinVar variation 3775660 (VCV003775660.1).
Genomic context (GRCh38, chr9:132,902,720, plus strand): 5'-ATCTGGCTGTGGAGCTTGGTTACCATAGTGTCACGCTGCTCCTGGAGCTGATTGTATCTA[GC>G]TTGTTCTTTCTGCAGACTAACCTTCCACATCTGGATGTCCTTCTCTTGTAACTTCAACTG-3'

ClinVar aggregate classification (germline): Likely pathogenic (1 of 4 stars; one submission).

Conditions:
Tuberous sclerosis 1 (TSC1). Identifiers: Orphanet 805, MedGen C1854465, MONDO:0008612, OMIM 191100.

Submission:

3billion
Classification: Likely pathogenic for Tuberous sclerosis 1. Last evaluated: 2023-12-07. Review status: criteria provided, single submitter. Criteria: ACMG Guidelines, 2015. Collection method: clinical testing. Allele origin: germline. Affected: yes.
Comment: The variant is not observed in the gnomAD v2.1.1 dataset. Predicted Consequence/Location: Frameshift: predicted to result in a loss or disruption of normal protein function through nonsense-mediated decay (NMD) or protein truncation. Multiple pathogenic variants are reported downstream of the variant. Therefore, this variant is classified as Likely pathogenic according to the recommendation of ACMG/AMP guideline.